The following is an entry in ClinVar:

ClinVar aggregate classification (germline): Uncertain significance (1 of 4 stars; one submission).

gnomAD v4.1: 2 of 707,340 alleles (0.00028%); highest among the groups gnomAD compares: South Asian, 0.0061%; no homozygotes.

Submission:

GeneDx
Classification: Uncertain significance. Last evaluated: 2024-06-13. Review status: criteria provided, single submitter. Criteria: GeneDx Variant Classification Process June 2021. Collection method: clinical testing. Allele origin: germline. Affected: yes.
Comment: Not observed at significant frequency in large population cohorts (gnomAD); In silico analysis supports that this missense variant has a deleterious effect on protein structure/function; Has not been previously published as pathogenic or benign to our knowledge

NM_002471.4(MYH6):c.5583G>T (p.Lys1861Asn)

Gene: MYH6 (myosin heavy chain 6; minus strand). Cytogenetic location: 14q11.2.
Variant type: single nucleotide variant.
Coding change: c.5583G>T on transcript NM_002471.4 (MANE Select); coding-DNA position 5583, G replaced by T.
Protein change: p.Lys1861Asn; replaces lysine 1861 with asparagine.
Molecular consequence: missense variant.
Genome position (GRCh38, 1-based): chr14:23,383,303, C>A on the plus strand (G>T on the coding strand, the complement: MYH6 is on the minus strand). VCF-style: chr14-23383303-C-A. GRCh37 (hg19) VCF-style: chr14-23852512-C-A.
Other names: short protein forms K1861N.
Identifiers: ClinVar variation 3392671 (VCV003392671.1).